The following is an entry in ClinVar:

NM_006147.4(IRF6):c.265A>T (p.Lys89Ter)

Gene: IRF6 (interferon regulatory factor 6; minus strand). Cytogenetic location: 1q32.2.
Variant type: single nucleotide variant.
Coding change: c.265A>T on transcript NM_006147.4 (MANE Select); coding-DNA position 265, A replaced by T.
Protein change: p.Lys89Ter; replaces lysine 89 with a stop codon.
Molecular consequence: nonsense. On other transcripts: 5 prime UTR variant (1).
Genome position (GRCh38, 1-based): chr1:209,796,462, T>A on the plus strand (A>T on the coding strand, the complement: IRF6 is on the minus strand). VCF-style: chr1-209796462-T-A. GRCh37 (hg19) VCF-style: chr1-209969807-T-A.
Other names: c.-21A>T (NM_001206696.2); short protein forms K89*.
Identifiers: ClinVar variation 280244 (VCV000280244.2), dbSNP rs886041484, ClinGen allele CA10602777.
Genomic context (GRCh38, chr1:209,796,462, plus strand): 5'-TCACTGGGTTCATGGGCACCTCCTTGGTGCCATCATACATCAGGTTGAATTCTCTGCTCT[T>A]ATTGAGAGCACAGCGCAGCTGGGCCTTCCATTTAGCTGGGTCAGGGTCATCCACCCCTTC-3'

ClinVar aggregate classification (germline): Pathogenic (1 of 4 stars; one submission).

Submission:

GeneDx
Classification: Pathogenic. Last evaluated: 2016-01-14. Review status: criteria provided, single submitter. Criteria: GeneDx Variant Classification (06012015). Collection method: clinical testing. Allele origin: germline. Affected: yes.
Comment: The K89X nonsense variant in the IRF6 gene is predicted to cause loss of normal protein function either through protein truncation or nonsense-mediated mRNA decay. K89X was not observed in approximately 6,500 individuals of European and African American ancestry in the NHLBI Exome Sequencing Project, indicating it is not a common benign variant in these populations.